The following is an entry in ClinVar:

ClinVar aggregate classification (germline): Likely benign. Review status: criteria provided, single submitter (1 of 4 stars). 2 submissions from 2 submitters: Likely benign (1). 1 of the submissions does not count toward it. Last evaluated 2025-12-31.

Conditions:
SLC52A2-related disorder. Also called: SLC52A2-related condition.
Brown-Vialetto-van Laere syndrome 2. Also called: SPINOCEREBELLAR ATAXIA WITH BLINDNESS AND DEAFNESS 2; Riboflavin transporter deficiency type 2. Identifiers: Orphanet 572543, Orphanet 97229, MedGen C3553538, MONDO:0013867, OMIM 614707.

Allele frequency attached by ClinVar (database versions not stated): TOPMed below 0.00001; gnomAD exomes 0.00010; ExAC 0.00002.

Submissions (2):

Labcorp Genetics (formerly Invitae), Labcorp
Classification: Likely benign for Brown-Vialetto-van Laere syndrome 2. Last evaluated: 2025-12-31. Review status: criteria provided, single submitter. Criteria: Invitae Variant Classification Sherloc (09022015). Collection method: clinical testing. Allele origin: germline.

PreventionGenetics, part of Exact Sciences
Classification: Likely benign for SLC52A2-related condition. Last evaluated: 2019-08-20. Review status: no assertion criteria provided. Collection method: clinical testing. Allele origin: germline. Not counted in ClinVar's aggregate classification.
Comment: This variant is classified as likely benign based on ACMG/AMP sequence variant interpretation guidelines (Richards et al. 2015 PMID: 25741868, with internal and published modifications).

NM_001363118.2(SLC52A2):c.844C>T (p.Leu282=)

Gene: SLC52A2 (solute carrier family 52 member 2; plus strand). Cytogenetic location: 8q24.3.
Variant type: single nucleotide variant.
Coding change: c.844C>T on transcript NM_001363118.2 (MANE Select); coding-DNA position 844, C replaced by T.
Protein change: p.Leu282=; no amino-acid change (leucine 282 retained).
Molecular consequence: synonymous variant. On other transcripts: non-coding transcript variant (1).
Genome position (GRCh38, 1-based): chr8:144,360,336, C>T. VCF-style: chr8-144360336-C-T. GRCh37 (hg19) VCF-style: chr8-145583996-C-T.
Other names: c.844C>T, p.Leu282= (NM_001253815.2, NM_001253816.2, NM_001363120.2 and 2 more transcripts); c.352C>T, p.Leu118= (NM_001363122.2); c.580C>T, p.Leu194= (NM_001410949.1); c.844C>T (NM_001253816.1).
Identifiers: ClinVar variation 2045985 (VCV002045985.6), dbSNP rs782425828, ClinGen allele CA4938290.